The following is an entry in ClinVar:

NM_001458.5(FLNC):c.5298+7C>T

Gene: FLNC (filamin C; plus strand). Cytogenetic location: 7q32.1.
Variant type: single nucleotide variant.
Coding change: c.5298+7C>T on transcript NM_001458.5 (MANE Select); 7 bases into the intron after coding-DNA position 5298, C replaced by T.
Molecular consequence: intron variant.
Genome position (GRCh38, 1-based): chr7:128,850,081, C>T. VCF-style: chr7-128850081-C-T. GRCh37 (hg19) VCF-style: chr7-128490135-C-T.
Other names: c.5200-303C>T (NM_001127487.2).
Identifiers: ClinVar variation 513475 (VCV000513475.11), dbSNP rs773294846, ClinGen allele CA4475635.

ClinVar aggregate classification (germline): Likely benign. Review status: criteria provided, multiple submitters, no conflicts (2 of 4 stars). 2 submissions from 2 submitters: Likely benign (2). Last evaluated 2026-01-10.

Conditions:
Myofibrillar myopathy 5. Also called: FILAMINOPATHY, AUTOSOMAL DOMINANT; Filaminopathy (type). Identifiers: Orphanet 171445, MedGen C1836050, MONDO:0012289, OMIM 609524.
Distal myopathy with posterior leg and anterior hand involvement. Also called: WILLIAMS DISTAL MYOPATHY. Identifiers: Orphanet 63273, MedGen C3279722, MONDO:0013550, OMIM 614065.
Hypertrophic cardiomyopathy 26. Also called: Cardiomyopathy, familial hypertrophic, 26. Identifiers: Orphanet 75249, MedGen C4310749, MONDO:0014883, OMIM 617047.

Allele frequency attached by ClinVar (database versions not stated): ExAC below 0.00001; gnomAD exomes 0.00001 and 0.00004; gnomAD 0.00002; TOPMed 0.00006.

Submissions (2):

Labcorp Genetics (formerly Invitae), Labcorp
Classification: Likely benign for Distal myopathy with posterior leg and anterior hand involvement; Myofibrillar myopathy 5; Hypertrophic cardiomyopathy 26. Last evaluated: 2026-01-10. Review status: criteria provided, single submitter. Criteria: Invitae Variant Classification Sherloc (09022015). Collection method: clinical testing. Allele origin: germline.

GeneDx
Classification: Likely benign. Last evaluated: 2017-11-30. Review status: criteria provided, single submitter. Criteria: GeneDx Variant Classification (06012015). Collection method: clinical testing. Allele origin: germline. Affected: yes.
Comment: This variant is considered likely benign or benign based on one or more of the following criteria: it is a conservative change, it occurs at a poorly conserved position in the protein, it is predicted to be benign by multiple in silico algorithms, and/or has population frequency not consistent with disease.